The following is an entry in ClinVar:

ClinVar aggregate classification (germline): Uncertain significance. Review status: criteria provided, multiple submitters, no conflicts (2 of 4 stars). 3 submissions from 3 submitters: Uncertain significance (3). Last evaluated 2025-11-30.

Allele frequency attached by ClinVar (database versions not stated): ExAC 0.00004; gnomAD 0.00005 and 0.00006; ESP Exome Variant Server 0.00008.
gnomAD v4.1: 120 of 1,566,400 alleles (0.0077%); highest among the groups gnomAD compares: Non-Finnish European, 0.01%; no homozygotes.

Submissions (3):

Labcorp Genetics (formerly Invitae), Labcorp
Classification: Uncertain significance. Last evaluated: 2025-11-30. Review status: criteria provided, single submitter. Criteria: Invitae Variant Classification Sherloc (09022015). Collection method: clinical testing. Allele origin: germline.
Comment: This sequence change replaces arginine, which is basic and polar, with glycine, which is neutral and non-polar, at codon 114 of the LRPPRC protein (p.Arg114Gly). This variant is present in population databases (rs376622590, gnomAD 0.007%). This variant has not been reported in the literature in individuals affected with LRPPRC-related conditions. ClinVar contains an entry for this variant (Variation ID: 1485110). Invitae Evidence Modeling of protein sequence and biophysical properties (such as structural, functional, and spatial information, amino acid conservation, physicochemical variation, residue mobility, and thermodynamic stability) indicates that this missense variant is not expected to disrupt LRPPRC protein function with a negative predictive value of 80%. In summary, the available evidence is currently insufficient to determine the role of this variant in disease. Therefore, it has been classified as a Variant of Uncertain Significance.

CeGaT Center for Human Genetics Tuebingen
Classification: Uncertain significance. Last evaluated: 2024-03-01. Review status: criteria provided, single submitter. Criteria: CeGaT Center For Human Genetics Tuebingen Variant Classification Criteria Version 2. Collection method: clinical testing. Allele origin: germline. Affected: yes. Observed: 1 variant allele.
Comment: LRPPRC: PM2, BP4

GeneDx
Classification: Uncertain significance. Last evaluated: 2022-02-14. Review status: criteria provided, single submitter. Criteria: GeneDx Variant Classification Process June 2021. Collection method: clinical testing. Allele origin: germline. Affected: yes.
Comment: Not observed at significant frequency in large population cohorts (gnomAD); In silico analysis supports that this missense variant has a deleterious effect on protein structure/function; Has not been previously published as pathogenic or benign to our knowledge

NM_133259.4(LRPPRC):c.340C>G (p.Arg114Gly)

Gene: LRPPRC (leucine rich pentatricopeptide repeat containing; minus strand). Cytogenetic location: 2p21.
Variant type: single nucleotide variant.
Coding change: c.340C>G on transcript NM_133259.4 (MANE Select); coding-DNA position 340, C replaced by G.
Protein change: p.Arg114Gly; replaces arginine 114 with glycine.
Molecular consequence: missense variant.
Genome position (GRCh38, 1-based): chr2:43,982,244, G>C on the plus strand (C>G on the coding strand, the complement: LRPPRC is on the minus strand). VCF-style: chr2-43982244-G-C. GRCh37 (hg19) VCF-style: chr2-44209383-G-C.
Other names: short protein forms R114G.
Identifiers: ClinVar variation 1485110 (VCV001485110.27), dbSNP rs376622590, ClinGen allele CA1639406.
Genomic context (GRCh38, chr2:43,982,244, plus strand): 5'-GAGCCACTGTGACCAGCCAAAAGTCAACTTTATGAACAGGAAATTTTGAAATACCTGAGC[G>C]GCAGGTATCATTAAAAACTTTTTGTAGAAGCTTCTTTGGAATGCGGCCAGTTCTTCGAAC-3'
Protein context (NP_573566.2, residues 104-124): LLQKVFNDTC[Arg114Gly]SGGLGGSHAL